The following is an entry in ClinVar:

ClinVar aggregate classification (germline): Uncertain significance. Review status: criteria provided, single submitter (1 of 4 stars). 2 submissions from 2 submitters: Uncertain significance (1). 1 of the submissions does not count toward it. Last evaluated 2025-12-30.

Conditions:
Hereditary cancer-predisposing syndrome. Also called: Neoplastic Syndromes, Hereditary; Hereditary neoplastic syndrome; Tumor predisposition; Hereditary Cancer Syndrome. Identifiers: Orphanet 140162, MedGen C0027672, MeSH D009386, MONDO:0015356.

Submissions (2):

Ambry Genetics
Classification: Uncertain significance for Hereditary cancer-predisposing syndrome. Last evaluated: 2025-12-30. Review status: criteria provided, single submitter. Criteria: Ambry Variant Classification Scheme 2023. Collection method: clinical testing. Allele origin: germline.
Comment: The p.N1681S variant (also known as c.5042A>G), located in coding exon 38 of the TSC2 gene, results from an A to G substitution at nucleotide position 5042. The asparagine at codon 1681 is replaced by serine, an amino acid with highly similar properties. This amino acid position is highly conserved in available vertebrate species. In addition, the in silico prediction for this alteration is inconclusive. Based on the available evidence, the clinical significance of this variant remains unclear.

Gharavi Laboratory, Columbia University
Classification: Uncertain significance. Last evaluated: 2018-09-16. Review status: no assertion criteria provided. Criteria: ACMG Guidelines, 2015. Collection method: research. Allele origin: germline. Affected: yes. Not counted in ClinVar's aggregate classification.

NM_000548.5(TSC2):c.5042A>G (p.Asn1681Ser)

Gene: TSC2 (TSC complex subunit 2; plus strand). Cytogenetic location: 16p13.3.
Variant type: single nucleotide variant.
Coding change: c.5042A>G on transcript NM_000548.5 (MANE Select); coding-DNA position 5042, A replaced by G.
Protein change: p.Asn1681Ser; replaces asparagine 1681 with serine.
Molecular consequence: missense variant.
Genome position (GRCh38, 1-based): chr16:2,087,915, A>G. VCF-style: chr16-2087915-A-G. GRCh37 (hg19) VCF-style: chr16-2137916-A-G.
Other names: c.4841A>G, p.Asn1614Ser (NM_001077183.3); c.4973A>G, p.Asn1658Ser (NM_001114382.3); c.4733A>G, p.Asn1578Ser (NM_001318827.2); c.4697A>G, p.Asn1566Ser (NM_001318829.2); c.4310A>G, p.Asn1437Ser (NM_001318831.2); c.4874A>G, p.Asn1625Ser (NM_001318832.2); c.4844A>G, p.Asn1615Ser (NM_001363528.2); c.4910A>G, p.Asn1637Ser (NM_001370404.1); and 2 more; short protein forms N1681S, N1578S, N1625S, N1637S, N1437S, N1614S, N1615S, N1566S.
Identifiers: ClinVar variation 591325 (VCV000591325.2), dbSNP rs1567128450, ClinGen allele CA394311441.